The following is an entry in ClinVar:

ClinVar aggregate classification (germline): Likely pathogenic (1 of 4 stars; one submission).

Conditions:
Cohen syndrome (COH1). Also called: PEPPER SYNDROME; Cutis verticis gyrata, retinitis pigmentosa, and sensorineural deafness. Identifiers: Orphanet 193, MedGen C0265223, MONDO:0008999, OMIM 216550.

Submission:

Natera, Inc.
Classification: Likely pathogenic for Cohen syndrome. Last evaluated: 2025-10-14. Review status: criteria provided, single submitter. Criteria: Natera Variant Classification Schema (03/2026). Collection method: clinical testing. Allele origin: germline.
Comment: The c.1529dup variant in VPS13B is a frameshift variant predicted to shift the reading frame beginning at codon 511 and leads to a stop codon 11 codons downstream. This variant is expected to result in nonsense mediated decay, truncation, or a dysfunctional protein product. This variant is rare in the general population with a frequency below the threshold expected for the associated phenotype(s). Given the available evidence, this variant is classified as Likely Pathogenic.

NM_152564.5(VPS13B):c.1529dup (p.Ala511fs)

Gene: VPS13B (vacuolar protein sorting 13 homolog B; plus strand). Cytogenetic location: 8q22.2.
Variant type: Duplication.
Coding change: c.1529dup on transcript NM_152564.5 (MANE Select); coding-DNA position 1529, one base duplicated (G; older notation c.1529dupG).
Protein change: p.Ala511fs; shifts the reading frame from alanine 511.
Molecular consequence: frameshift variant.
Genome position (GRCh38, 1-based): chr8:99,135,699, G duplicated. VCF-style (leftmost placement, unchanged base first): chr8-99135698-C-CG. GRCh37 (hg19) VCF-style: chr8-100147926-C-CG.
Other names: c.1529dup, p.Ala511fs (NM_015243.3, NM_017890.5); short protein forms A511fs.
Identifiers: ClinVar variation 4815937 (VCV004815937.1).